The following is an entry in ClinVar:

NM_024741.3(ZNF408):c.2122G>A (p.Gly708Ser)

Gene: ZNF408 (zinc finger protein 408; plus strand). Cytogenetic location: 11p11.2.
Variant type: single nucleotide variant.
Coding change: c.2122G>A on transcript NM_024741.3 (MANE Select); coding-DNA position 2122, G replaced by A.
Protein change: p.Gly708Ser; replaces glycine 708 with serine.
Molecular consequence: missense variant.
Genome position (GRCh38, 1-based): chr11:46,705,822, G>A. VCF-style: chr11-46705822-G-A. GRCh37 (hg19) VCF-style: chr11-46727372-G-A.
Other names: c.2098G>A, p.Gly700Ser (NM_001184751.2); short protein forms G700S, G708S.
Identifiers: ClinVar variation 4694293 (VCV004694293.2).

ClinVar aggregate classification (germline): Uncertain significance. Review status: criteria provided, multiple submitters, no conflicts (2 of 4 stars). 2 submissions from 2 submitters: Uncertain significance (2). Last evaluated 2025-12-10.

Submissions (2):

Labcorp Genetics (formerly Invitae), Labcorp
Classification: Uncertain significance. Last evaluated: 2025-12-10. Review status: criteria provided, single submitter. Criteria: Invitae Variant Classification Sherloc (09022015). Collection method: clinical testing. Allele origin: germline.
Comment: This sequence change replaces glycine, which is neutral and non-polar, with serine, which is neutral and polar, at codon 708 of the ZNF408 protein (p.Gly708Ser). This variant is present in population databases (rs372605963, gnomAD 0.008%). This variant has not been reported in the literature in individuals affected with ZNF408-related conditions. An algorithm developed to predict the effect of missense changes on protein structure and function outputs the following: PolyPhen-2: "Benign". The serine amino acid residue is found in multiple mammalian species, which suggests that this missense change does not adversely affect protein function. In summary, the available evidence is currently insufficient to determine the role of this variant in disease. Therefore, it has been classified as a Variant of Uncertain Significance.

Blueprint Genetics
Classification: Uncertain significance. Last evaluated: 2024-02-27. Review status: criteria provided, single submitter. Criteria: ACMG Guidelines, 2015. Collection method: clinical testing. Allele origin: germline.